The following is an entry in ClinVar:

NM_012199.5(AGO1):c.2112G>A (p.Val704=)

Gene: AGO1 (argonaute RISC component 1; plus strand). Cytogenetic location: 1p34.3.
Variant type: single nucleotide variant.
Coding change: c.2112G>A on transcript NM_012199.5 (MANE Select); coding-DNA position 2112, G replaced by A.
Protein change: p.Val704=; no amino-acid change (valine 704 retained).
Molecular consequence: synonymous variant.
Genome position (GRCh38, 1-based): chr1:35,917,676, G>A. VCF-style: chr1-35917676-G-A. GRCh37 (hg19) VCF-style: chr1-36383277-G-A.
Other names: c.2112G>A, p.Val704= (NM_001317122.2); c.1887G>A, p.Val629= (NM_001317123.2).
Identifiers: ClinVar variation 708300 (VCV000708300.4), dbSNP rs138262926, ClinGen allele CA763363.

ClinVar aggregate classification (germline): Likely benign. Review status: criteria provided, multiple submitters, no conflicts (2 of 4 stars). 2 submissions from 2 submitters: Likely benign (2). Last evaluated 2025-05-02.

Conditions:
AGO1-related disorder. Also called: AGO1-related condition.

Allele frequency attached by ClinVar (database versions not stated): gnomAD exomes 0.00046 and 0.00038; 1000 Genomes Project 30x 0.00047; 1000 Genomes Project 0.00060; TOPMed 0.00019; gnomAD 0.00022; ESP Exome Variant Server 0.00038; ExAC 0.00041.
gnomAD v4.1: 729 of 1,613,508 alleles (0.045%); highest among the groups gnomAD compares: South Asian, 0.16%; no homozygotes.

Submissions (2):

PreventionGenetics, part of Exact Sciences
Classification: Likely benign for AGO1-related condition. Last evaluated: 2025-05-02. Review status: criteria provided, single submitter. Criteria: ACMG Guidelines, 2015. Collection method: clinical testing. Allele origin: germline.
Comment: This variant is classified as likely benign based on ACMG/AMP sequence variant interpretation guidelines (Richards et al. 2015 PMID: 25741868, with internal and published modifications).

Labcorp Genetics (formerly Invitae), Labcorp
Classification: Likely benign. Last evaluated: 2018-07-13. Review status: criteria provided, single submitter. Criteria: Invitae Variant Classification Sherloc (09022015). Collection method: clinical testing. Allele origin: germline.